The following is an entry in ClinVar:

NM_021830.5(TWNK):c.1061G>T (p.Arg354Leu)

Gene: TWNK (twinkle mtDNA helicase; plus strand). Cytogenetic location: 10q24.31.
Variant type: single nucleotide variant.
Coding change: c.1061G>T on transcript NM_021830.5 (MANE Select); coding-DNA position 1061, G replaced by T.
Protein change: p.Arg354Leu; replaces arginine 354 with leucine.
Molecular consequence: missense variant. On other transcripts: non-coding transcript variant (4), intron variant (3).
Genome position (GRCh38, 1-based): chr10:100,989,271, G>T. VCF-style: chr10-100989271-G-T. GRCh37 (hg19) VCF-style: chr10-102749028-G-T.
Other names: c.1061G>T, p.Arg354Leu (NM_001163812.2); c.-119-373G>T (NM_001163814.2, NM_001163813.2); c.-57-435G>T (NM_001368275.1); short protein forms R354L.
Identifiers: ClinVar variation 3766348 (VCV003766348.1).
Genomic context (GRCh38, chr10:100,989,271, plus strand): 5'-GACCAGGAGACCAGCAACCCCGTCCCCTGGAGGCCCTGAACGGAGGCTTCAATCTTTCTC[G>T]TATTCTTCGTACCGCCCTGCCTGCCTGGCACAAGTCCATCGTATCTTTCCGGCAGCTTCG-3'
Protein context (NP_068602.2, residues 344-364): EALNGGFNLS[Arg354Leu]ILRTALPAWH

ClinVar aggregate classification (germline): Uncertain significance (1 of 4 stars; one submission).

Submission:

GeneDx
Classification: Uncertain significance. Last evaluated: 2024-08-25. Review status: criteria provided, single submitter. Criteria: GeneDx Variant Classification Process June 2021. Collection method: clinical testing. Allele origin: germline. Affected: yes.
Comment: Has not been previously published as pathogenic or benign to our knowledge; Not observed at significant frequency in large population cohorts (gnomAD); In silico analysis supports that this missense variant has a deleterious effect on protein structure/function